The following is an entry in ClinVar:

NM_014956.5(CEP164):c.2761G>A (p.Glu921Lys)

Gene: CEP164 (centrosomal protein 164; plus strand). Cytogenetic location: 11q23.3.
Variant type: single nucleotide variant.
Coding change: c.2761G>A on transcript NM_014956.5 (MANE Select); coding-DNA position 2761, G replaced by A.
Protein change: p.Glu921Lys; replaces glutamic acid 921 with lysine.
Molecular consequence: missense variant.
Genome position (GRCh38, 1-based): chr11:117,394,920, G>A. VCF-style: chr11-117394920-G-A. GRCh37 (hg19) VCF-style: chr11-117265636-G-A.
Other names: c.2770G>A, p.Glu924Lys (NM_001271933.2); c.2761G>A (NM_014956.4); short protein forms E921K, E924K.
Identifiers: ClinVar variation 2138863 (VCV002138863.2), dbSNP rs750017082, ClinGen allele CA6295214.

ClinVar aggregate classification (germline): Uncertain significance. Review status: criteria provided, single submitter (1 of 4 stars). 2 submissions from 2 submitters: Uncertain significance (1). 1 of the submissions does not count toward it. Last evaluated 2022-07-12.

Conditions:
CEP164-related disorder. Also called: CEP164-related condition.
Nephronophthisis 15 (NPHP15). Identifiers: Orphanet 3156, MedGen C3541853, MONDO:0013917, OMIM 614845.

Allele frequency attached by ClinVar (database versions not stated): TOPMed below 0.00001; gnomAD exomes 0.00001; ExAC 0.00002.
gnomAD v4.1: 8 of 1,614,114 alleles (0.0005%); highest among the groups gnomAD compares: Admixed American, 0.012%; no homozygotes.

Submissions (2):

Labcorp Genetics (formerly Invitae), Labcorp
Classification: Uncertain significance for Nephronophthisis 15. Last evaluated: 2022-07-12. Review status: criteria provided, single submitter. Criteria: Invitae Variant Classification Sherloc (09022015). Collection method: clinical testing. Allele origin: germline.
Comment: This sequence change replaces glutamic acid, which is acidic and polar, with lysine, which is basic and polar, at codon 921 of the CEP164 protein (p.Glu921Lys). This variant is present in population databases (rs750017082, gnomAD 0.02%). This variant has not been reported in the literature in individuals affected with CEP164-related conditions. Algorithms developed to predict the effect of missense changes on protein structure and function are either unavailable or do not agree on the potential impact of this missense change (SIFT: "Deleterious"; PolyPhen-2: "Probably Damaging"; Align-GVGD: "Class C0"). In summary, the available evidence is currently insufficient to determine the role of this variant in disease. Therefore, it has been classified as a Variant of Uncertain Significance.

PreventionGenetics, part of Exact Sciences
Classification: Uncertain significance for CEP164-related condition. Last evaluated: 2024-08-22. Review status: no assertion criteria provided. Collection method: clinical testing. Allele origin: germline. Not counted in ClinVar's aggregate classification.
Comment: The CEP164 c.2761G>A variant is predicted to result in the amino acid substitution p.Glu921Lys. To our knowledge, this variant has not been reported in the literature. This variant is reported in 0.023% of alleles in individuals of Latino descent in gnomAD. At this time, the clinical significance of this variant is uncertain due to the absence of conclusive functional and genetic evidence.